The following is an entry in ClinVar:

ClinVar aggregate classification (germline): Uncertain significance (1 of 4 stars; one submission).

Conditions:
Epidermodysplasia verruciformis. Identifiers: Orphanet 302, MedGen C0014522, MONDO:0009176.

Allele frequency attached by ClinVar (database versions not stated): gnomAD exomes below 0.00001 and 0.00002; gnomAD 0.00001; TOPMed 0.00001.
gnomAD v4.1: 33 of 1,593,968 alleles (0.0021%); highest among the groups gnomAD compares: Non-Finnish European, 0.0028%; no homozygotes.

Submission:

Labcorp Genetics (formerly Invitae), Labcorp
Classification: Uncertain significance for Epidermodysplasia verruciformis. Last evaluated: 2022-06-27. Review status: criteria provided, single submitter. Criteria: Invitae Variant Classification Sherloc (09022015). Collection method: clinical testing. Allele origin: germline.
Comment: This sequence change replaces cysteine, which is neutral and slightly polar, with tyrosine, which is neutral and polar, at codon 680 of the TMC8 protein (p.Cys680Tyr). The frequency data for this variant in the population databases is considered unreliable, as metrics indicate poor data quality at this position in the gnomAD database. This variant has not been reported in the literature in individuals affected with TMC8-related conditions. ClinVar contains an entry for this variant (Variation ID: 1014226). Algorithms developed to predict the effect of missense changes on protein structure and function are either unavailable or do not agree on the potential impact of this missense change (SIFT: "Deleterious"; PolyPhen-2: "Possibly Damaging"; Align-GVGD: "Class C0"). In summary, the available evidence is currently insufficient to determine the role of this variant in disease. Therefore, it has been classified as a Variant of Uncertain Significance.

NM_152468.5(TMC8):c.2039G>A (p.Cys680Tyr)

Gene: TMC8 (transmembrane channel like 8; plus strand). Cytogenetic location: 17q25.3.
Variant type: single nucleotide variant.
Coding change: c.2039G>A on transcript NM_152468.5 (MANE Select); coding-DNA position 2039, G replaced by A.
Protein change: p.Cys680Tyr; replaces cysteine 680 with tyrosine.
Molecular consequence: missense variant.
Genome position (GRCh38, 1-based): chr17:78,140,970, G>A. VCF-style: chr17-78140970-G-A. GRCh37 (hg19) VCF-style: chr17-76137051-G-A.
Other names: short protein forms C680Y.
Identifiers: ClinVar variation 1014226 (VCV001014226.6), dbSNP rs1237055200, ClinGen allele CA401254559.